The following is an entry in ClinVar:

NM_001083962.2(TCF4):c.914G>A (p.Ser305Asn)

Genes: TCF4 (transcription factor 4; minus strand), LOC126862757 (CDK7 strongly-dependent group 2 enhancer GRCh37_chr18:52936433-52937632; plus strand). Cytogenetic location: 18q21.2.
Variant type: single nucleotide variant.
Coding change: c.914G>A on transcript NM_001083962.2 (MANE Select); coding-DNA position 914, G replaced by A.
Protein change: p.Ser305Asn; replaces serine 305 with asparagine.
Molecular consequence: missense variant.
Genome position (GRCh38, 1-based): chr18:55,269,839, C>T on the plus strand (G>A on the coding strand, the complement: TCF4 is on the minus strand). VCF-style: chr18-55269839-C-T. GRCh37 (hg19) VCF-style: chr18-52937070-C-T.
Other names: c.701G>A, p.Ser234Asn (NM_001306208.1, NM_001243232.1); c.914G>A, p.Ser305Asn (NM_001330604.3, NM_001369574.1, NM_001369567.1 and 4 more transcripts); c.524G>A, p.Ser175Asn (NM_001330605.3, NM_001348212.2, NM_001348213.2 and 1 more transcripts); c.788G>A, p.Ser263Asn (NM_001348211.2, NM_001243231.2); c.434G>A, p.Ser145Asn (NM_001348214.2, NM_001348216.2, NM_001243234.2 and 2 more transcripts); c.266G>A, p.Ser89Asn (NM_001348215.2); c.842G>A, p.Ser281Asn (NM_001348217.1, NM_001369575.1, NM_001369577.1 and 9 more transcripts); c.911G>A, p.Ser304Asn (NM_001369573.1, NM_001369569.1, NM_001369570.1); and 4 more; short protein forms S145N, S175N, S234N, S263N, S280N, S281N, S303N, S304N.
Identifiers: ClinVar variation 3621284 (VCV003621284.2).

ClinVar aggregate classification (germline): Uncertain significance (1 of 4 stars; one submission).

Conditions:
Pitt-Hopkins syndrome (PTHS). Also called: ENCEPHALOPATHY, SEVERE EPILEPTIC, WITH AUTONOMIC DYSFUNCTION; MENTAL RETARDATION, SYNDROMAL, WITH INTERMITTENT HYPERVENTILATION. Identifiers: Orphanet 2896, MedGen C1970431, MONDO:0012589, OMIM 610954.

gnomAD v4.1: 6 of 1,613,108 alleles (0.00037%); highest among the groups gnomAD compares: Non-Finnish European, 0.00051%; no homozygotes.

Submission:

Labcorp Genetics (formerly Invitae), Labcorp
Classification: Uncertain significance for Pitt-Hopkins syndrome. Last evaluated: 2024-09-04. Review status: criteria provided, single submitter. Criteria: Invitae Variant Classification Sherloc (09022015). Collection method: clinical testing. Allele origin: germline.
Comment: This sequence change replaces serine, which is neutral and polar, with asparagine, which is neutral and polar, at codon 305 of the TCF4 protein (p.Ser305Asn). This variant is not present in population databases (gnomAD no frequency). This variant has not been reported in the literature in individuals affected with TCF4-related conditions. Invitae Evidence Modeling of protein sequence and biophysical properties (such as structural, functional, and spatial information, amino acid conservation, physicochemical variation, residue mobility, and thermodynamic stability) indicates that this missense variant is not expected to disrupt TCF4 protein function with a negative predictive value of 95%. In summary, the available evidence is currently insufficient to determine the role of this variant in disease. Therefore, it has been classified as a Variant of Uncertain Significance.